The following is an entry in ClinVar:

NM_021800.3(DNAJC12):c.304C>T (p.His102Tyr)

Gene: DNAJC12 (DnaJ heat shock protein family (Hsp40) member C12; minus strand). Cytogenetic location: 10q21.3.
Variant type: single nucleotide variant.
Coding change: c.304C>T on transcript NM_021800.3 (MANE Select); coding-DNA position 304, C replaced by T.
Protein change: p.His102Tyr; replaces histidine 102 with tyrosine.
Molecular consequence: missense variant.
Genome position (GRCh38, 1-based): chr10:67,805,781, G>A on the plus strand (C>T on the coding strand, the complement: DNAJC12 is on the minus strand). VCF-style: chr10-67805781-G-A. GRCh37 (hg19) VCF-style: chr10-69565539-G-A.
Other names: short protein forms H102Y.
Identifiers: ClinVar variation 2855552 (VCV002855552.3), dbSNP rs2492786779, ClinGen allele CA377103371.
Genomic context (GRCh38, chr10:67,805,781, plus strand): 5'-TGGTATGAGTCTTGTCAGATTCTTCCAGCATCAGGTCTTTTTTACCTCTGACAACCCAGT[G>A]CATTGACTAAATTAATGTAAAGCAGAGATATAAAAATTAAATTGATATTATATGATTTTC-3'
Protein context (NP_068572.1, residues 92-112): ALNDSVKTSM[His102Tyr]WVVRGKKDLM

ClinVar aggregate classification (germline): Uncertain significance (1 of 4 stars; one submission).

Submission:

Labcorp Genetics (formerly Invitae), Labcorp
Classification: Uncertain significance. Last evaluated: 2023-05-27. Review status: criteria provided, single submitter. Criteria: Invitae Variant Classification Sherloc (09022015). Collection method: clinical testing. Allele origin: germline.
Comment: This sequence change replaces histidine, which is basic and polar, with tyrosine, which is neutral and polar, at codon 102 of the DNAJC12 protein (p.His102Tyr). In summary, the available evidence is currently insufficient to determine the role of this variant in disease. Therefore, it has been classified as a Variant of Uncertain Significance. An algorithm developed to predict the effect of missense changes on protein structure and function (PolyPhen-2) suggests that this variant is likely to be disruptive. This variant has not been reported in the literature in individuals affected with DNAJC12-related conditions. This variant is not present in population databases (gnomAD no frequency).